The following is an entry in ClinVar:

NM_022124.6(CDH23):c.6433G>A (p.Val2145Met)

Gene: CDH23 (cadherin related 23; plus strand). Cytogenetic location: 10q22.1.
Variant type: single nucleotide variant.
Coding change: c.6433G>A on transcript NM_022124.6 (MANE Select); coding-DNA position 6433, G replaced by A.
Protein change: p.Val2145Met; replaces valine 2145 with methionine.
Molecular consequence: missense variant.
Genome position (GRCh38, 1-based): chr10:71,793,361, G>A. VCF-style: chr10-71793361-G-A. GRCh37 (hg19) VCF-style: chr10-73553118-G-A.
Other names: short protein forms V2145M.
Identifiers: ClinVar variation 1468488 (VCV001468488.4), dbSNP rs780523589, ClinGen allele CA209466113.
Genomic context (GRCh38, chr10:71,793,361, plus strand): 5'-ATCCGTGTTGGTAATGCCACCATCGACAGAGAGGAGCAGGAGTCCTACAGGCTAACGGTG[G>A]TGGCCACCGACCGGGGCACCGTTCCTCTCTCGGGCACAGCCATTGTCACCATTCTGATCG-3'
Protein context (NP_071407.4, residues 2135-2155): EEQESYRLTV[Val2145Met]ATDRGTVPLS

ClinVar aggregate classification (germline): Conflicting classifications of pathogenicity. Review status: criteria provided, conflicting classifications (1 of 4 stars). 2 submissions from 2 submitters: Uncertain significance (1); Likely benign (1). Last evaluated 2024-01-23.

Conditions:
Hereditary cancer. Identifiers: MedGen C1333600.

gnomAD v4.1: 1 of 1,613,856 alleles (0.000062%); no homozygotes.

Submissions (2):

Mendelics
Classification: Likely benign for Hereditary cancer. Last evaluated: 2024-01-23. Review status: criteria provided, single submitter. Criteria: ACMG Guidelines, 2015. Collection method: clinical testing. Allele origin: unknown.

Labcorp Genetics (formerly Invitae), Labcorp
Classification: Uncertain significance. Last evaluated: 2022-08-31. Review status: criteria provided, single submitter. Criteria: Invitae Variant Classification Sherloc (09022015). Collection method: clinical testing. Allele origin: germline.
Comment: This sequence change replaces valine, which is neutral and non-polar, with methionine, which is neutral and non-polar, at codon 2145 of the CDH23 protein (p.Val2145Met). This variant is not present in population databases (gnomAD no frequency). This variant has not been reported in the literature in individuals affected with CDH23-related conditions. ClinVar contains an entry for this variant (Variation ID: 1468488). Algorithms developed to predict the effect of missense changes on protein structure and function are either unavailable or do not agree on the potential impact of this missense change (SIFT: "Deleterious"; PolyPhen-2: "Not Available"; Align-GVGD: "Class C15"). In summary, the available evidence is currently insufficient to determine the role of this variant in disease. Therefore, it has been classified as a Variant of Uncertain Significance.